The following is an entry in ClinVar:

NM_001348716.2(KDM6B):c.4543del (p.Ile1515fs)

Genes: KDM6B (lysine demethylase 6B; plus strand), LOC121587574 (Sharpr-MPRA regulatory region 3930; plus strand). Cytogenetic location: 17p13.1.
Variant type: Deletion.
Coding change: c.4543del on transcript NM_001348716.2 (MANE Select); coding-DNA position 4543, one base deleted (A; older notation c.4543delA).
Protein change: p.Ile1515fs; shifts the reading frame from isoleucine 1515.
Molecular consequence: frameshift variant.
Genome position (GRCh38, 1-based): chr17:7,852,569, A deleted. VCF-style (leftmost placement, unchanged base first): chr17-7852568-GA-G. GRCh37 (hg19) VCF-style: chr17-7755886-GA-G.
Other names: c.4543del, p.Ile1515fs (NM_001080424.2); short protein forms I1515fs.
Identifiers: ClinVar variation 3647919 (VCV003647919.2).

ClinVar aggregate classification (germline): Pathogenic (1 of 4 stars; one submission).

Submission:

Labcorp Genetics (formerly Invitae), Labcorp
Classification: Pathogenic. Last evaluated: 2024-03-27. Review status: criteria provided, single submitter. Criteria: Invitae Variant Classification Sherloc (09022015). Collection method: clinical testing. Allele origin: germline.
Comment: This sequence change creates a premature translational stop signal (p.Ile1515Phefs*21) in the KDM6B gene. It is expected to result in an absent or disrupted protein product. Loss-of-function variants in KDM6B are known to be pathogenic (PMID: 31124279). This variant is not present in population databases (gnomAD no frequency). This variant has not been reported in the literature in individuals affected with KDM6B-related conditions. For these reasons, this variant has been classified as Pathogenic.

Literature cited by the submitters: PubMed 31124279.